The following is an entry in ClinVar:

NM_017617.5(NOTCH1):c.3080C>T (p.Ser1027Leu)

Gene: NOTCH1 (notch receptor 1; minus strand). Cytogenetic location: 9q34.3.
Variant type: single nucleotide variant.
Coding change: c.3080C>T on transcript NM_017617.5 (MANE Select); coding-DNA position 3080, C replaced by T.
Protein change: p.Ser1027Leu; replaces serine 1027 with leucine.
Molecular consequence: missense variant.
Genome position (GRCh38, 1-based): chr9:136,508,961, G>A on the plus strand (C>T on the coding strand, the complement: NOTCH1 is on the minus strand). VCF-style: chr9-136508961-G-A. GRCh37 (hg19) VCF-style: chr9-139403413-G-A.
Other names: short protein forms S1027L.
Identifiers: ClinVar variation 1727366 (VCV001727366.2), dbSNP rs2540444329, ClinGen allele CA375552823.
Genomic context (GRCh38, chr9:136,508,961, plus strand): 5'-CAGGTGCACCTGTAGGAGCCGCAGCCGTCCTGACAGGTGCCGCCATGCAGGCAGGGCTGT[G>A]AGTCGCACTCATTGACATCGTGCTGGCAGTAGCTGCCCGTGAAGCCGGGTGGACACAGGC-3'
Protein context (NP_060087.3, residues 1017-1037): YCQHDVNECD[Ser1027Leu]QPCLHGGTCQ

ClinVar aggregate classification (germline): Uncertain significance (1 of 4 stars; one submission).

Conditions:
Familial thoracic aortic aneurysm and aortic dissection (TAAD). Also called: Thoracic aortic aneurysms and dissections. Identifiers: Orphanet 91387, MedGen C4707243, MONDO:0019625.

Submission:

Ambry Genetics
Classification: Uncertain significance for Familial thoracic aortic aneurysm and aortic dissection. Last evaluated: 2021-08-31. Review status: criteria provided, single submitter. Criteria: Ambry Variant Classification Scheme 2023. Collection method: clinical testing. Allele origin: germline.
Comment: The p.S1027L variant (also known as c.3080C>T), located in coding exon 19 of the NOTCH1 gene, results from a C to T substitution at nucleotide position 3080. The serine at codon 1027 is replaced by leucine, an amino acid with dissimilar properties. This amino acid position is conserved. In addition, the in silico prediction for this alteration is inconclusive. Since supporting evidence is limited at this time, the clinical significance of this alteration remains unclear.